The following is an entry in ClinVar:

ClinVar aggregate classification (germline): Uncertain significance (1 of 4 stars; one submission).

Conditions:
Nephrolithiasis/nephrocalcinosis. Identifiers: MedGen CN580796.

Submission:

Ambry Genetics
Classification: Uncertain significance for Nephrolithiasis/nephrocalcinosis. Last evaluated: 2023-11-29. Review status: criteria provided, single submitter. Criteria: Ambry Variant Classification Scheme 2023. Collection method: clinical testing. Allele origin: germline.
Comment: The p.V313L variant (also known as c.937G>C), located in coding exon 3 of the CASR gene, results from a G to C substitution at nucleotide position 937. The valine at codon 313 is replaced by leucine, an amino acid with highly similar properties. This amino acid position is conserved. In addition, this alteration is predicted to be deleterious by in silico analysis. Since supporting evidence is limited at this time, the clinical significance of this alteration remains unclear.

NM_000388.4(CASR):c.937G>C (p.Val313Leu)

Gene: CASR (calcium sensing receptor; plus strand). Cytogenetic location: 3q21.1.
Variant type: single nucleotide variant.
Coding change: c.937G>C on transcript NM_000388.4 (MANE Select); coding-DNA position 937, G replaced by C.
Protein change: p.Val313Leu; replaces valine 313 with leucine.
Molecular consequence: missense variant.
Genome position (GRCh38, 1-based): chr3:122,261,972, G>C. VCF-style: chr3-122261972-G-C. GRCh37 (hg19) VCF-style: chr3-121980819-G-C.
Other names: c.937G>C, p.Val313Leu (NM_001178065.2); short protein forms V313L.
Identifiers: ClinVar variation 3231598 (VCV003231598.1), dbSNP rs200838528, ClinGen allele CA354151679.